The following is an entry in ClinVar:

NM_001371986.1(UNC80):c.1645G>A (p.Asp549Asn)

Genes: UNC80 (unc-80 subunit of NALCN channel complex; plus strand), LOC122861286 (Sharpr-MPRA regulatory region 8450; plus strand). Cytogenetic location: 2q34.
Variant type: single nucleotide variant.
Coding change: c.1645G>A on transcript NM_001371986.1 (MANE Select); coding-DNA position 1645, G replaced by A.
Protein change: p.Asp549Asn; replaces aspartic acid 549 with asparagine.
Molecular consequence: missense variant.
Genome position (GRCh38, 1-based): chr2:209,817,904, G>A. VCF-style: chr2-209817904-G-A. GRCh37 (hg19) VCF-style: chr2-210682628-G-A.
Other names: c.1645G>A, p.Asp549Asn (NM_032504.2, NM_182587.4); short protein forms D549N.
Identifiers: ClinVar variation 1485630 (VCV001485630.7), dbSNP rs763369889, ClinGen allele CA2082955.

ClinVar aggregate classification (germline): Uncertain significance. Review status: criteria provided, multiple submitters, no conflicts (2 of 4 stars). 2 submissions from 2 submitters: Uncertain significance (2). Last evaluated 2021-09-01.

Allele frequency attached by ClinVar (database versions not stated): ExAC 0.00019.
gnomAD v4.1: 51 of 1,551,462 alleles (0.0033%); highest among the groups gnomAD compares: South Asian, 0.044%; 1 homozygote.

Submissions (2):

Blueprint Genetics
Classification: Uncertain significance. Last evaluated: 2021-09-01. Review status: criteria provided, single submitter. Criteria: ACMG Guidelines, 2015. Collection method: clinical testing. Allele origin: germline.

Labcorp Genetics (formerly Invitae), Labcorp
Classification: Uncertain significance. Last evaluated: 2021-08-03. Review status: criteria provided, single submitter. Criteria: Invitae Variant Classification Sherloc (09022015). Collection method: clinical testing. Allele origin: germline.
Comment: In summary, the available evidence is currently insufficient to determine the role of this variant in disease. Therefore, it has been classified as a Variant of Uncertain Significance. Algorithms developed to predict the effect of missense changes on protein structure and function are either unavailable or do not agree on the potential impact of this missense change (SIFT: "Not Available"; PolyPhen-2: "Benign"; Align-GVGD: "Not Available"). This variant has not been reported in the literature in individuals affected with UNC80-related conditions. This variant is present in population databases (rs763369889, ExAC 0.05%). This sequence change replaces aspartic acid with asparagine at codon 549 of the UNC80 protein (p.Asp549Asn). The aspartic acid residue is weakly conserved and there is a small physicochemical difference between aspartic acid and asparagine.